The following is an entry in ClinVar:

NM_015135.3(NUP205):c.1322A>G (p.His441Arg)

Gene: NUP205 (nucleoporin 205; plus strand). Cytogenetic location: 7q33.
Variant type: single nucleotide variant.
Coding change: c.1322A>G on transcript NM_015135.3 (MANE Select); coding-DNA position 1322, A replaced by G.
Protein change: p.His441Arg; replaces histidine 441 with arginine.
Molecular consequence: missense variant.
Genome position (GRCh38, 1-based): chr7:135,587,678, A>G. VCF-style: chr7-135587678-A-G. GRCh37 (hg19) VCF-style: chr7-135272426-A-G.
Other names: p.His441Arg; c.248A>G, p.His83Arg (NM_001329434.2); short protein forms H83R, H441R.
Identifiers: ClinVar variation 4541336 (VCV004541336.1).

ClinVar aggregate classification (germline): Uncertain significance (1 of 4 stars; one submission).

gnomAD v4.1: 4 of 1,597,146 alleles (0.00025%); highest among the groups gnomAD compares: Middle Eastern, 0.017%; no homozygotes.

Submission:

Mayo Clinic Laboratories, Mayo Clinic
Classification: Uncertain significance. Last evaluated: 2025-10-17. Review status: criteria provided, single submitter. Criteria: ACMG Guidelines, 2015. Collection method: clinical testing. Allele origin: germline. Observed: 1 variant allele.
Comment: BP4